The following is an entry in ClinVar:

ClinVar aggregate classification (germline): Uncertain significance. Review status: criteria provided, multiple submitters, no conflicts (2 of 4 stars). 2 submissions from 2 submitters: Uncertain significance (2). Last evaluated 2025-11-10.

Conditions:
Hereditary cancer-predisposing syndrome. Also called: Hereditary neoplastic syndrome; Neoplastic Syndromes, Hereditary; Tumor predisposition; Hereditary Cancer Syndrome. Identifiers: Orphanet 140162, MedGen C0027672, MeSH D009386, MONDO:0015356.
Multiple endocrine neoplasia type 4. Also called: MULTIPLE ENDOCRINE NEOPLASIA, TYPE IV. Identifiers: Orphanet 276152, MedGen C1970712, MONDO:0012552, OMIM 610755.

Submissions (2):

Ambry Genetics
Classification: Uncertain significance for Hereditary cancer-predisposing syndrome. Last evaluated: 2025-11-10. Review status: criteria provided, single submitter. Criteria: Ambry Variant Classification Scheme 2023. Collection method: clinical testing. Allele origin: germline.
Comment: The p.P191R variant (also known as c.572C>G), located in coding exon 2 of the CDKN1B gene, results from a C to G substitution at nucleotide position 572. The proline at codon 191 is replaced by arginine, an amino acid with dissimilar properties. This amino acid position is well conserved in available vertebrate species. In addition, this alteration is predicted to be tolerated by in silico analysis. Based on the available evidence, the clinical significance of this variant remains unclear.

Labcorp Genetics (formerly Invitae), Labcorp
Classification: Uncertain significance for Multiple endocrine neoplasia type 4. Last evaluated: 2020-09-16. Review status: criteria provided, single submitter. Criteria: Invitae Variant Classification Sherloc (09022015). Collection method: clinical testing. Allele origin: germline.
Comment: In summary, the available evidence is currently insufficient to determine the role of this variant in disease. Therefore, it has been classified as a Variant of Uncertain Significance. Algorithms developed to predict the effect of missense changes on protein structure and function are either unavailable or do not agree on the potential impact of this missense change (SIFT: "Deleterious"; PolyPhen-2: "Possibly Damaging"; Align-GVGD: "Class C0"). This variant has not been reported in the literature in individuals with CDKN1B-related conditions. This variant is not present in population databases (ExAC no frequency). This sequence change replaces proline with arginine at codon 191 of the CDKN1B protein (p.Pro191Arg). The proline residue is highly conserved and there is a moderate physicochemical difference between proline and arginine.

NM_004064.5(CDKN1B):c.572C>G (p.Pro191Arg)

Gene: CDKN1B (cyclin dependent kinase inhibitor 1B; plus strand). Cytogenetic location: 12p13.1.
Variant type: single nucleotide variant.
Coding change: c.572C>G on transcript NM_004064.5 (MANE Select); coding-DNA position 572, C replaced by G.
Protein change: p.Pro191Arg; replaces proline 191 with arginine.
Molecular consequence: missense variant.
Genome position (GRCh38, 1-based): chr12:12,718,921, C>G. VCF-style: chr12-12718921-C-G. GRCh37 (hg19) VCF-style: chr12-12871855-C-G.
Other names: c.572C>G (NM_004064.3); short protein forms P191R.
Identifiers: ClinVar variation 1046855 (VCV001046855.9), dbSNP rs1946513297, ClinGen allele CA383973167.